The following is an entry in ClinVar:

ClinVar aggregate classification (germline): Uncertain significance (1 of 4 stars; one submission).

Submission:

Labcorp Genetics (formerly Invitae), Labcorp
Classification: Uncertain significance. Last evaluated: 2024-07-17. Review status: criteria provided, single submitter. Criteria: Invitae Variant Classification Sherloc (09022015). Collection method: clinical testing. Allele origin: germline.
Comment: This sequence change falls in intron 3 of the CD40 gene. It does not directly change the encoded amino acid sequence of the CD40 protein. This variant is present in population databases (rs751182588, gnomAD 0.006%). This variant has not been reported in the literature in individuals affected with CD40-related conditions. Algorithms developed to predict the effect of sequence changes on RNA splicing suggest that this variant may disrupt the consensus splice site. In summary, the available evidence is currently insufficient to determine the role of this variant in disease. Therefore, it has been classified as a Variant of Uncertain Significance.

NM_001250.6(CD40):c.257-7_257-3del

Gene: CD40 (CD40 molecule; plus strand). Cytogenetic location: 20q13.12.
Variant type: Microsatellite.
Coding change: c.257-7_257-3del on transcript NM_001250.6 (MANE Select); 7 bases into the intron before coding-DNA position 257 through 3 bases into the intron before coding-DNA position 257, 5 bases deleted (TTCTC; older notation c.257-7_257-3delTTCTC).
Molecular consequence: intron variant.
Genome position (GRCh38, 1-based): chr20:46,122,603-46,122,607, TTCTC deleted; deleting any 5 consecutive bases within chr20:46,122,597-46,122,607 gives the same sequence; the c. name uses the placement nearest the transcript's 3' end. VCF-style (leftmost placement, unchanged base first): chr20-46122596-CCTTCT-C. GRCh37 (hg19) VCF-style: chr20-44751235-CCTTCT-C.
Other names: c.257-7_257-3del (NM_001302753.2, NM_001322421.2, NM_001362758.2 and 2 more transcripts).
Identifiers: ClinVar variation 1395323 (VCV001395323.7), dbSNP rs751182588, ClinGen allele CA9888423.